The following is an entry in ClinVar:

ClinVar aggregate classification (germline): Uncertain significance (1 of 4 stars; one submission).

Submission:

GeneDx
Classification: Uncertain significance. Last evaluated: 2022-12-30. Review status: criteria provided, single submitter. Criteria: GeneDx Variant Classification Process June 2021. Collection method: clinical testing. Allele origin: germline. Affected: yes.
Comment: Not observed at significant frequency in large population cohorts (gnomAD); In silico analysis supports that this missense variant has a deleterious effect on protein structure/function; Has not been previously published as pathogenic or benign to our knowledge

NM_020822.3(KCNT1):c.880C>G (p.Arg294Gly)

Gene: KCNT1 (potassium sodium-activated channel subfamily T member 1; plus strand). Cytogenetic location: 9q34.3.
Variant type: single nucleotide variant.
Coding change: c.880C>G on transcript NM_020822.3 (MANE Select); coding-DNA position 880, C replaced by G.
Protein change: p.Arg294Gly; replaces arginine 294 with glycine.
Molecular consequence: missense variant.
Genome position (GRCh38, 1-based): chr9:135,759,704, C>G. VCF-style: chr9-135759704-C-G. GRCh37 (hg19) VCF-style: chr9-138651550-C-G.
Other names: c.745C>G, p.Arg249Gly (NM_001272003.2); short protein forms R249G, R294G.
Identifiers: ClinVar variation 2571811 (VCV002571811.1), dbSNP rs369101729, ClinGen allele CA375498407.
Genomic context (GRCh38, chr9:135,759,704, plus strand): 5'-GGCCCCAGGCCGCCCCTCACTGCCAGGGGTTGCAGGACCTGCGGCATCCAGCACCTGGAG[C>G]GGGCGGGCGAGAACCTGTCCCTCCTGACCTCCTTCTACTTCTGCATCGTCACCTTCTCCA-3'
Protein context (NP_065873.2, residues 284-304): TGTCGIQHLE[Arg294Gly]AGENLSLLTS